The following is an entry in ClinVar:

NM_000246.4(CIITA):c.1458C>T (p.His486=)

Gene: CIITA (class II major histocompatibility complex transactivator; plus strand). Cytogenetic location: 16p13.13.
Variant type: single nucleotide variant.
Coding change: c.1458C>T on transcript NM_000246.4 (MANE Select); coding-DNA position 1458, C replaced by T.
Protein change: p.His486=; no amino-acid change (histidine 486 retained).
Molecular consequence: synonymous variant. On other transcripts: intron variant (1).
Genome position (GRCh38, 1-based): chr16:10,906,950, C>T. VCF-style: chr16-10906950-C-T. GRCh37 (hg19) VCF-style: chr16-11000807-C-T.
Other names: c.1461C>T, p.His487= (NM_001286402.1, NM_001379332.1); c.1314C>T, p.His438= (NM_001379330.1); c.1311C>T, p.His437= (NM_001379331.1); c.1458C>T, p.His486= (NM_001379333.1); c.1389C>T, p.His463= (NM_001379334.1); c.860-2033C>T (NM_001286403.2).
Identifiers: ClinVar variation 3772556 (VCV003772556.13).

ClinVar aggregate classification (germline): Likely benign (1 of 4 stars; one submission).

gnomAD v4.1: 1 of 1,613,218 alleles (0.000062%); highest among the groups gnomAD compares: Non-Finnish European, 0.000085%; no homozygotes.

Submission:

CeGaT Center for Human Genetics Tuebingen
Classification: Likely benign. Last evaluated: 2025-02-01. Review status: criteria provided, single submitter. Criteria: CeGaT Center For Human Genetics Tuebingen Variant Classification Criteria Version 2. Collection method: clinical testing. Allele origin: germline. Affected: yes. Observed: 1 variant allele.
Comment: CIITA: BP4, BP7